The following is an entry in ClinVar:

ClinVar aggregate classification (germline): Uncertain significance. Review status: criteria provided, multiple submitters, no conflicts (2 of 4 stars). 3 submissions from 3 submitters: Uncertain significance (3). Last evaluated 2025-08-18.

Conditions:
Hereditary cancer-predisposing syndrome. Also called: Neoplastic Syndromes, Hereditary; Hereditary neoplastic syndrome; Hereditary Cancer Syndrome; Tumor predisposition. Identifiers: Orphanet 140162, MedGen C0027672, MeSH D009386, MONDO:0015356.
POLD1-related polyposis and colorectal cancer syndrome (CRCS10). Also called: Colorectal cancer, susceptibility to, 10; Colorectal cancer 10; COLORECTAL CANCER, SUSCEPTIBILITY TO, ON CHROMOSOME 19q. Identifiers: Orphanet 220460, MedGen C2675481, MONDO:0012953, OMIM 612591.

Submissions (3):

Labcorp Genetics (formerly Invitae), Labcorp
Classification: Uncertain significance for POLD1-related polyposis and colorectal cancer syndrome. Last evaluated: 2025-08-18. Review status: criteria provided, single submitter. Criteria: Invitae Variant Classification Sherloc (09022015). Collection method: clinical testing. Allele origin: germline.
Comment: This sequence change replaces glutamic acid, which is acidic and polar, with valine, which is neutral and non-polar, at codon 35 of the POLD1 protein (p.Glu35Val). This variant is not present in population databases (gnomAD no frequency). This variant has not been reported in the literature in individuals affected with POLD1-related conditions. ClinVar contains an entry for this variant (Variation ID: 408048). An algorithm developed to predict the effect of missense changes on protein structure and function (PolyPhen-2) suggests that this variant is likely to be disruptive. Studies have shown that this missense change is associated with inconclusive levels of altered splicing (internal data). In summary, the available evidence is currently insufficient to determine the role of this variant in disease. Therefore, it has been classified as a Variant of Uncertain Significance.

Ambry Genetics
Classification: Uncertain significance for Hereditary cancer-predisposing syndrome. Last evaluated: 2025-06-20. Review status: criteria provided, single submitter. Criteria: Ambry Variant Classification Scheme 2023. Collection method: clinical testing. Allele origin: germline.
Comment: The p.E35V variant (also known as c.104A>T), located in coding exon 1 of the POLD1 gene, results from an A to T substitution at nucleotide position 104. The glutamic acid at codon 35 is replaced by valine, an amino acid with dissimilar properties. This amino acid position is conserved. In addition, this alteration is predicted to be tolerated by in silico analysis. Since supporting evidence is limited at this time, the clinical significance of this alteration remains unclear.

GeneDx
Classification: Uncertain significance. Last evaluated: 2019-10-09. Review status: criteria provided, single submitter. Criteria: GeneDx Variant Classification Process June 2021. Collection method: clinical testing. Allele origin: germline. Affected: yes.
Comment: Not observed in large population cohorts (Lek et al., 2016); In silico analysis, which includes protein predictors and evolutionary conservation, supports a deleterious effect; Has not been previously published as pathogenic or benign to our knowledge

NM_002691.4(POLD1):c.104A>T (p.Glu35Val)

Gene: POLD1 (DNA polymerase delta 1, catalytic subunit; plus strand). Cytogenetic location: 19q13.33.
Variant type: single nucleotide variant.
Coding change: c.104A>T on transcript NM_002691.4 (MANE Select); coding-DNA position 104, A replaced by T.
Protein change: p.Glu35Val; replaces glutamic acid 35 with valine.
Molecular consequence: missense variant. On other transcripts: non-coding transcript variant (1).
Genome position (GRCh38, 1-based): chr19:50,398,955, A>T. VCF-style: chr19-50398955-A-T. GRCh37 (hg19) VCF-style: chr19-50902212-A-T.
Other names: c.104A>T, p.Glu35Val (NM_001256849.1, NM_001308632.1); short protein forms E35V.
Identifiers: ClinVar variation 408048 (VCV000408048.15), dbSNP rs1060501832, ClinGen allele CA16616104.